The following is an entry in ClinVar:

NC_000005.10:g.112707445A>T

Gene: APC (APC regulator of Wnt signaling pathway; plus strand). Cytogenetic location: 5q22.2.
Variant type: single nucleotide variant.
Genome position: GRCh38 VCF-style: chr5-112707445-A-T. GRCh37 (hg19) VCF-style: chr5-112043142-A-T.
Identifiers: ClinVar variation 2096831 (VCV002096831.5), dbSNP rs1750562759, ClinGen allele CA2580072246.

ClinVar aggregate classification (germline): Uncertain significance (1 of 4 stars; one submission).

Conditions:
Familial adenomatous polyposis 1 (FAP1). Also called: FAMILIAL ADENOMATOUS POLYPOSIS 1, ATTENUATED; POLYPOSIS, ADENOMATOUS INTESTINAL. Identifiers: MedGen C2713442, MONDO:0021056, OMIM 175100. Disease mechanism: loss of function.

Submission:

Labcorp Genetics (formerly Invitae), Labcorp
Classification: Uncertain significance for Familial adenomatous polyposis 1. Last evaluated: 2022-02-11. Review status: criteria provided, single submitter. Criteria: Invitae Variant Classification Sherloc (09022015). Collection method: clinical testing. Allele origin: germline.
Comment: This variant has not been reported in the literature in individuals affected with APC-related conditions. This variant is not present in population databases (gnomAD no frequency). This variant occurs in a non-coding region of the APC gene. It does not change the encoded amino acid sequence of the APC protein. Experimental studies and prediction algorithms are not available or were not evaluated, and the functional significance of this variant is currently unknown. In summary, the available evidence is currently insufficient to determine the role of this variant in disease. Therefore, it has been classified as a Variant of Uncertain Significance.